The following is an entry in ClinVar:

ClinVar aggregate classification (germline): Uncertain significance (1 of 4 stars; one submission).

Conditions:
Immunodeficiency 35 (IMD35). Also called: Susceptibility to infection due to TYK2 deficiency; TYK2 DEFICIENCY; HIES WITH ATYPICAL MYCOBACTERIOSIS, AUTOSOMAL RECESSIVE; HYPER-IgE SYNDROME WITH ATYPICAL MYCOBACTERIOSIS, AUTOSOMAL RECESSIVE. Identifiers: Orphanet 331226, MedGen C1969086, MONDO:0012682, OMIM 611521.

Allele frequency attached by ClinVar (database versions not stated): gnomAD 0.00002 and 0.00003; gnomAD exomes 0.00002; TOPMed 0.00002; ExAC 0.00003.
gnomAD v4.1: 21 of 1,614,002 alleles (0.0013%); highest among the groups gnomAD compares: Admixed American, 0.005%; no homozygotes.

Submission:

Labcorp Genetics (formerly Invitae), Labcorp
Classification: Uncertain significance for Immunodeficiency 35. Last evaluated: 2022-09-19. Review status: criteria provided, single submitter. Criteria: Invitae Variant Classification Sherloc (09022015). Collection method: clinical testing. Allele origin: germline.
Comment: This sequence change replaces cysteine, which is neutral and slightly polar, with glycine, which is neutral and non-polar, at codon 966 of the TYK2 protein (p.Cys966Gly). This variant is present in population databases (rs763754692, gnomAD 0.01%). This variant has not been reported in the literature in individuals affected with TYK2-related conditions. ClinVar contains an entry for this variant (Variation ID: 576188). Advanced modeling of protein sequence and biophysical properties (such as structural, functional, and spatial information, amino acid conservation, physicochemical variation, residue mobility, and thermodynamic stability) performed at Invitae indicates that this missense variant is expected to disrupt TYK2 protein function. In summary, the available evidence is currently insufficient to determine the role of this variant in disease. Therefore, it has been classified as a Variant of Uncertain Significance.

NM_003331.5(TYK2):c.2896T>G (p.Cys966Gly)

Gene: TYK2 (tyrosine kinase 2; minus strand). Cytogenetic location: 19p13.2.
Variant type: single nucleotide variant.
Coding change: c.2896T>G on transcript NM_003331.5 (MANE Select); coding-DNA position 2896, T replaced by G.
Protein change: p.Cys966Gly; replaces cysteine 966 with glycine.
Molecular consequence: missense variant.
Genome position (GRCh38, 1-based): chr19:10,354,054, A>C on the plus strand (T>G on the coding strand, the complement: TYK2 is on the minus strand). VCF-style: chr19-10354054-A-C. GRCh37 (hg19) VCF-style: chr19-10464730-A-C.
Other names: c.2896T>G (LRG_121t1); short protein forms C966G.
Identifiers: ClinVar variation 576188 (VCV000576188.7), dbSNP rs763754692, ClinGen allele CA9192902.